The following is an entry in ClinVar:

NM_001130009.3(GEN1):c.2311C>T (p.Pro771Ser)

Gene: GEN1 (GEN1 Holliday junction 5' flap endonuclease; plus strand). Cytogenetic location: 2p24.2.
Variant type: single nucleotide variant.
Coding change: c.2311C>T on transcript NM_001130009.3 (MANE Select); coding-DNA position 2311, C replaced by T.
Protein change: p.Pro771Ser; replaces proline 771 with serine.
Molecular consequence: missense variant.
Genome position (GRCh38, 1-based): chr2:17,781,523, C>T. VCF-style: chr2-17781523-C-T. GRCh37 (hg19) VCF-style: chr2-17962790-C-T.
Other names: c.2311C>T, p.Pro771Ser (NM_182625.5); short protein forms P771S.
Identifiers: ClinVar variation 4263025 (VCV004263025.1).

ClinVar aggregate classification (germline): Uncertain significance (1 of 4 stars; one submission).

gnomAD v4.1: 3 of 1,613,670 alleles (0.00019%); highest among the groups gnomAD compares: Non-Finnish European, 0.00017%; no homozygotes.

Submission:

Ambry Genetics
Classification: Uncertain significance. Last evaluated: 2025-07-12. Review status: criteria provided, single submitter. Criteria: Ambry Variant Classification Scheme 2023. Collection method: clinical testing. Allele origin: germline.
Comment: The p.P771S variant (also known as c.2311C>T), located in coding exon 13 of the GEN1 gene, results from a C to T substitution at nucleotide position 2311. The proline at codon 771 is replaced by serine, an amino acid with similar properties. This amino acid position is conserved. In addition, this alteration is predicted to be tolerated by in silico analysis. Based on the available evidence, the clinical significance of this variant remains unclear.